The following is an entry in ClinVar:

NM_032888.4(COL27A1):c.323G>A (p.Arg108Gln)

Gene: COL27A1 (collagen type XXVII alpha 1 chain; plus strand). Cytogenetic location: 9q32.
Variant type: single nucleotide variant.
Coding change: c.323G>A on transcript NM_032888.4 (MANE Select); coding-DNA position 323, G replaced by A.
Protein change: p.Arg108Gln; replaces arginine 108 with glutamine.
Molecular consequence: missense variant.
Genome position (GRCh38, 1-based): chr9:114,167,878, G>A. VCF-style: chr9-114167878-G-A. GRCh37 (hg19) VCF-style: chr9-116930158-G-A.
Other names: c.323G>A (NM_032888.2); short protein forms R108Q.
Identifiers: ClinVar variation 1374919 (VCV001374919.6), dbSNP rs764962397, ClinGen allele CA5201114.

ClinVar aggregate classification (germline): Uncertain significance. Review status: criteria provided, multiple submitters, no conflicts (2 of 4 stars). 2 submissions from 2 submitters: Uncertain significance (2). Last evaluated 2025-10-21.

Conditions:
Inborn genetic diseases. Identifiers: MedGen C0950123, MeSH D030342.

Allele frequency attached by ClinVar (database versions not stated): gnomAD 0.00003 and 0.00002.
gnomAD v4.1: 28 of 1,613,250 alleles (0.0017%); highest among the groups gnomAD compares: African/African-American, 0.0053%; no homozygotes.

Submissions (2):

Ambry Genetics
Classification: Uncertain significance for Inborn genetic diseases. Last evaluated: 2025-10-21. Review status: criteria provided, single submitter. Criteria: Ambry Variant Classification Scheme 2023. Collection method: clinical testing. Allele origin: germline.

Labcorp Genetics (formerly Invitae), Labcorp
Classification: Uncertain significance. Last evaluated: 2022-06-13. Review status: criteria provided, single submitter. Criteria: Invitae Variant Classification Sherloc (09022015). Collection method: clinical testing. Allele origin: germline.
Comment: This sequence change replaces arginine, which is basic and polar, with glutamine, which is neutral and polar, at codon 108 of the COL27A1 protein (p.Arg108Gln). This variant is present in population databases (rs764962397, gnomAD 0.01%). This variant has not been reported in the literature in individuals affected with COL27A1-related conditions. Advanced modeling of protein sequence and biophysical properties (such as structural, functional, and spatial information, amino acid conservation, physicochemical variation, residue mobility, and thermodynamic stability) performed at Invitae indicates that this missense variant is not expected to disrupt COL27A1 protein function. Algorithms developed to predict the effect of sequence changes on RNA splicing suggest that this variant may create or strengthen a splice site. In summary, the available evidence is currently insufficient to determine the role of this variant in disease. Therefore, it has been classified as a Variant of Uncertain Significance.